The following is an entry in ClinVar:

ClinVar aggregate classification (germline): Uncertain significance (1 of 4 stars; one submission).

Conditions:
Bethlem myopathy 1A. Also called: MYOPATHY, BENIGN CONGENITAL, WITH CONTRACTURES; Bethlem myopathy 1; Bethlem Muscular Dystrophy. Identifiers: Orphanet 610, MedGen CN029274, MONDO:0024530, OMIM 158810.

gnomAD v4.1: 6 of 1,594,882 alleles (0.00038%); highest among the groups gnomAD compares: Non-Finnish European, 0.00051%; no homozygotes.

Submission:

Labcorp Genetics (formerly Invitae), Labcorp
Classification: Uncertain significance for Bethlem myopathy 1A. Last evaluated: 2022-07-06. Review status: criteria provided, single submitter. Criteria: Invitae Variant Classification Sherloc (09022015). Collection method: clinical testing. Allele origin: germline.
Comment: In summary, the available evidence is currently insufficient to determine the role of this variant in disease. Therefore, it has been classified as a Variant of Uncertain Significance. Advanced modeling of protein sequence and biophysical properties (such as structural, functional, and spatial information, amino acid conservation, physicochemical variation, residue mobility, and thermodynamic stability) performed at Invitae indicates that this missense variant is not expected to disrupt COL6A1 protein function. This variant has not been reported in the literature in individuals affected with COL6A1-related conditions. This variant is not present in population databases (gnomAD no frequency). This sequence change replaces alanine, which is neutral and non-polar, with glycine, which is neutral and non-polar, at codon 6 of the COL6A1 protein (p.Ala6Gly).

NM_001848.3(COL6A1):c.17C>G (p.Ala6Gly)

Gene: COL6A1 (collagen type VI alpha 1 chain; plus strand). Cytogenetic location: 21q22.3.
Variant type: single nucleotide variant.
Coding change: c.17C>G on transcript NM_001848.3 (MANE Select); coding-DNA position 17, C replaced by G.
Protein change: p.Ala6Gly; replaces alanine 6 with glycine.
Molecular consequence: missense variant.
Genome position (GRCh38, 1-based): chr21:45,981,867, C>G. VCF-style: chr21-45981867-C-G. GRCh37 (hg19) VCF-style: chr21-47401781-C-G.
Other names: short protein forms A6G.
Identifiers: ClinVar variation 2014767 (VCV002014767.4), dbSNP rs2526305354, ClinGen allele CA410513794.